The following is an entry in ClinVar:

ClinVar aggregate classification (germline): Benign/Likely benign. Review status: criteria provided, multiple submitters, no conflicts (2 of 4 stars). 6 submissions from 6 submitters: Benign (2); Likely benign (3). 1 of the submissions does not count toward it. Last evaluated 2026-01-28.

Conditions:
CC2D2A-related disorder. Also called: CC2D2A-related disorders; CC2D2A-related condition. Identifiers: MedGen CN239313.
Joubert syndrome. Also called: JOUBERT-BOLTSHAUSER SYNDROME; Familial aplasia of the vermis. Identifiers: Orphanet 475, MedGen C5979921, MONDO:0018772.
Meckel-Gruber syndrome. Also called: DYSENCEPHALIA SPLANCHNOCYSTICA; GRUBER SYNDROME; Dysencephalia splachnocystica. Identifiers: Orphanet 564, MedGen C0265215, MONDO:0018921.

Allele frequency attached by ClinVar (database versions not stated): 1000 Genomes Project 0.00200; 1000 Genomes Project 30x 0.00203; ESP Exome Variant Server 0.00222; gnomAD 0.00250 and 0.00275; TOPMed 0.00263.
gnomAD v4.1: 774 of 1,612,204 alleles (0.048%); highest among the groups gnomAD compares: African/African-American, 0.8%; 6 homozygotes.

Submissions (6):

Labcorp Genetics (formerly Invitae), Labcorp
Classification: Benign for Joubert syndrome; Meckel-Gruber syndrome. Last evaluated: 2026-01-28. Review status: criteria provided, single submitter. Criteria: Invitae Variant Classification Sherloc (09022015). Collection method: clinical testing. Allele origin: germline.

Blueprint Genetics
Classification: Likely benign. Last evaluated: 2024-06-04. Review status: criteria provided, single submitter. Criteria: ACMG Guidelines, 2015. Collection method: clinical testing. Allele origin: germline.

CeGaT Center for Human Genetics Tuebingen
Classification: Likely benign. Last evaluated: 2022-07-01. Review status: criteria provided, single submitter. Criteria: CeGaT Center For Human Genetics Tuebingen Variant Classification Criteria Version 2. Collection method: clinical testing. Allele origin: germline. Affected: yes. Observed: 1 variant allele.
Comment: CC2D2A: BP4, BP7

GeneDx
Classification: Benign. Last evaluated: 2021-06-11. Review status: criteria provided, single submitter. Criteria: GeneDx Variant Classification Process June 2021. Collection method: clinical testing. Allele origin: germline. Affected: yes.

Eurofins Ntd Llc (ga)
Classification: Likely benign. Last evaluated: 2016-02-05. Review status: criteria provided, single submitter. Criteria: EGL Classification Definitions 2015. Collection method: clinical testing. Allele origin: germline. Observed: 2 variant alleles, 2 heterozygotes.

PreventionGenetics, part of Exact Sciences
Classification: Benign for CC2D2A-related condition. Last evaluated: 2023-11-07. Review status: no assertion criteria provided. Collection method: clinical testing. Allele origin: germline. Not counted in ClinVar's aggregate classification.
Comment: This variant is classified as benign based on ACMG/AMP sequence variant interpretation guidelines (Richards et al. 2015 PMID: 25741868, with internal and published modifications).

NM_001378615.1(CC2D2A):c.2475C>T (p.Ile825=)

Genes: CC2D2A (coiled-coil and C2 domain containing 2A; plus strand), FBXL5 (F-box and leucine rich repeat protein 5; minus strand). Cytogenetic location: 4p15.32.
Variant type: single nucleotide variant.
Coding change: c.2475C>T on transcript NM_001378615.1 (MANE Select); coding-DNA position 2475, C replaced by T.
Protein change: p.Ile825=; no amino-acid change (isoleucine 825 retained).
Molecular consequence: synonymous variant.
Genome position (GRCh38, 1-based): chr4:15,553,294, C>T. VCF-style: chr4-15553294-C-T. GRCh37 (hg19) VCF-style: chr4-15554917-C-T.
Other names: c.2475C>T, p.Ile825= (NM_001080522.2); c.2328C>T, p.Ile776= (NM_001378617.1).
Identifiers: ClinVar variation 166803 (VCV000166803.43), dbSNP rs113835820, ClinGen allele CA233628.